The following is an entry in ClinVar:

ClinVar aggregate classification (germline): Uncertain significance. Review status: criteria provided, multiple submitters, no conflicts (2 of 4 stars). 3 submissions from 3 submitters: Uncertain significance (3). Last evaluated 2022-09-26.

Conditions:
Nemaline myopathy 8 (NEM8). Also called: Nemaline myopathy 8, autosomal recessive. Identifiers: Orphanet 171430, MedGen C3809209, MONDO:0014138, OMIM 615348.

Allele frequency attached by ClinVar (database versions not stated): ExAC 0.00001; TOPMed 0.00002; gnomAD exomes 0.00006.

Submissions (3):

Labcorp Genetics (formerly Invitae), Labcorp
Classification: Uncertain significance for Nemaline myopathy 8. Last evaluated: 2022-09-26. Review status: criteria provided, single submitter. Criteria: Invitae Variant Classification Sherloc (09022015). Collection method: clinical testing. Allele origin: germline.
Comment: This sequence change replaces arginine, which is basic and polar, with histidine, which is basic and polar, at codon 61 of the KLHL40 protein (p.Arg61His). This variant is present in population databases (rs778276929, gnomAD 0.04%). This variant has not been reported in the literature in individuals affected with KLHL40-related conditions. ClinVar contains an entry for this variant (Variation ID: 1007773). Advanced modeling of protein sequence and biophysical properties (such as structural, functional, and spatial information, amino acid conservation, physicochemical variation, residue mobility, and thermodynamic stability) performed at Invitae indicates that this missense variant is not expected to disrupt KLHL40 protein function. In summary, the available evidence is currently insufficient to determine the role of this variant in disease. Therefore, it has been classified as a Variant of Uncertain Significance.

GeneDx
Classification: Uncertain significance. Last evaluated: 2021-01-27. Review status: criteria provided, single submitter. Criteria: GeneDx Variant Classification Process June 2021. Collection method: clinical testing. Allele origin: germline. Affected: yes.
Comment: In silico analysis supports that this missense variant does not alter protein structure/function; Has not been previously published as pathogenic or benign to our knowledge

Genetic Services Laboratory, University of Chicago
Classification: Uncertain significance. Last evaluated: 2017-08-11. Review status: criteria provided, single submitter. Criteria: ACMG Guidelines, 2015. Collection method: clinical testing. Allele origin: germline. Affected: no.

NM_152393.4(KLHL40):c.182G>A (p.Arg61His)

Gene: KLHL40 (kelch like family member 40; plus strand). Cytogenetic location: 3p22.1.
Variant type: single nucleotide variant.
Coding change: c.182G>A on transcript NM_152393.4 (MANE Select); coding-DNA position 182, G replaced by A.
Protein change: p.Arg61His; replaces arginine 61 with histidine.
Molecular consequence: missense variant.
Genome position (GRCh38, 1-based): chr3:42,685,800, G>A. VCF-style: chr3-42685800-G-A. GRCh37 (hg19) VCF-style: chr3-42727292-G-A.
Other names: short protein forms R61H.
Identifiers: ClinVar variation 1007773 (VCV001007773.8), dbSNP rs778276929, ClinGen allele CA2336585.